The following is an entry in ClinVar:

ClinVar aggregate classification (germline): Uncertain significance (1 of 4 stars; one submission).

Conditions:
Dilated cardiomyopathy 1AA (CMD1AA). Also called: Cardiomyopathy, dilated, 1AA, with or without LVNC; CARDIOMYOPATHY, DILATED, 1AA, WITH OR WITHOUT LEFT VENTRICULAR NONCOMPACTION; CARDIOMYOPATHY, FAMILIAL HYPERTROPHIC, 23, WITH OR WITHOUT LEFT VENTRICULAR NONCOMPACTION. Identifiers: Orphanet 154, MedGen C2677338, MONDO:0012808, OMIM 612158.
Primary familial hypertrophic cardiomyopathy (HCM). Identifiers: Orphanet 99739, MedGen C0949658, MeSH D024741, MONDO:0024573. Inheritance: Various modes of inheritance.

Submission:

Labcorp Genetics (formerly Invitae), Labcorp
Classification: Uncertain significance for Primary familial hypertrophic cardiomyopathy; Dilated cardiomyopathy 1AA. Last evaluated: 2022-04-07. Review status: criteria provided, single submitter. Criteria: Invitae Variant Classification Sherloc (09022015). Collection method: clinical testing. Allele origin: germline.
Comment: Algorithms developed to predict the effect of missense changes on protein structure and function (SIFT, PolyPhen-2, Align-GVGD) all suggest that this variant is likely to be disruptive. In summary, the available evidence is currently insufficient to determine the role of this variant in disease. Therefore, it has been classified as a Variant of Uncertain Significance. This variant has not been reported in the literature in individuals affected with ACTN2-related conditions. This variant is not present in population databases (gnomAD no frequency). This sequence change replaces serine, which is neutral and polar, with arginine, which is basic and polar, at codon 892 of the ACTN2 protein (p.Ser892Arg).

NM_001103.4(ACTN2):c.2676C>G (p.Ser892Arg)

Gene: ACTN2 (actinin alpha 2; plus strand). Cytogenetic location: 1q43.
Variant type: single nucleotide variant.
Coding change: c.2676C>G on transcript NM_001103.4 (MANE Select); coding-DNA position 2676, C replaced by G.
Protein change: p.Ser892Arg; replaces serine 892 with arginine.
Molecular consequence: missense variant.
Genome position (GRCh38, 1-based): chr1:236,762,610, C>G. VCF-style: chr1-236762610-C-G. GRCh37 (hg19) VCF-style: chr1-236925910-C-G.
Other names: c.2676C>G, p.Ser892Arg (NM_001278343.2); c.2052C>G, p.Ser684Arg (NM_001278344.2); c.1926C>G, p.Ser642Arg (NM_001412150.1); short protein forms S892R, S642R, S684R.
Identifiers: ClinVar variation 2122322 (VCV002122322.4), dbSNP rs397516578, ClinGen allele CA345392715.